The following is an entry in ClinVar:

ClinVar aggregate classification (germline): Likely benign (1 of 4 stars; one submission).

Conditions:
Chédiak-Higashi syndrome (CHS). Also called: Chediak-Higashi Syndrome. Identifiers: Orphanet 167, MedGen C0007965, MONDO:0008963, OMIM 214500.

Allele frequency attached by ClinVar (database versions not stated): gnomAD 0.00198; 1000 Genomes Project 0.00339; TOPMed 0.00400; 1000 Genomes Project 30x 0.00359.

Submission:

Illumina Laboratory Services, Illumina
Classification: Likely benign for Chédiak-Higashi syndrome. Last evaluated: 2018-01-13. Review status: criteria provided, single submitter. Criteria: ICSL Variant Classification Criteria 13 December 2019. Collection method: clinical testing. Allele origin: germline.
Comment: This variant was observed in the ICSL laboratory as part of a predisposition screen in an ostensibly healthy population. It had not been previously curated by ICSL or reported in the Human Gene Mutation Database (HGMD: prior to June 1st, 2018), and was therefore a candidate for classification through an automated scoring system. Utilizing variant allele frequency, disease prevalence and penetrance estimates, and inheritance mode, an automated score was calculated to assess if this variant is too frequent to cause the disease. Based on the score and internal cut-off values, a variant classified as likely benign is not then subjected to further curation. The score for this variant resulted in a classification of likely benign for this disease.

NM_001301365.1(LYST):c.-98+16250G>C

Genes: LYST (lysosomal trafficking regulator; minus strand), LOC129932856 (ATAC-STARR-seq lymphoblastoid silent region 1991; plus strand). Cytogenetic location: 1q42.3.
Variant type: single nucleotide variant.
Coding change: c.-98+16250G>C on transcript NM_001301365.1; 16250 bases into the intron after 98 bases upstream of the start codon, G replaced by C.
Molecular consequence: intron variant.
Genome position (GRCh38, 1-based): chr1:235,866,937, C>G on the plus strand (G>C on the coding strand, the complement: LYST is on the minus strand). VCF-style: chr1-235866937-C-G. GRCh37 (hg19) VCF-style: chr1-236030237-C-G.
Identifiers: ClinVar variation 875102 (VCV000875102.6), dbSNP rs536986373, ClinGen allele CA39622775.